The following is an entry in ClinVar:

ClinVar aggregate classification (germline): Benign/Likely benign. Review status: criteria provided, multiple submitters, no conflicts (2 of 4 stars). 8 submissions from 8 submitters: Benign (5); Likely benign (2). 1 of the submissions does not count toward it. Last evaluated 2026-02-04.

Conditions:
Hereditary hemochromatosis (HFE). Identifiers: MedGen C0392514, MONDO:0006507. Disease mechanism: loss of function.
Hemochromatosis type 3 (HFE3). Also called: TFR2-Related Hemochromatosis; HEMOCHROMATOSIS DUE TO DEFECT IN TRANSFERRIN RECEPTOR 2; Hereditary hemochromatosis type 3. Identifiers: Orphanet 225123, MedGen C1858664, MONDO:0011417, OMIM 604250.

Allele frequency attached by ClinVar (database versions not stated): TOPMed 0.04201; ESP Exome Variant Server 0.04260; 1000 Genomes Project 0.05651; 1000 Genomes Project 30x 0.05856; gnomAD exomes 0.00672 and 0.01768; ExAC 0.02052; gnomAD 0.03859 and 0.03989.
gnomAD v4.1: 15,958 of 1,613,732 alleles (0.99%); highest among the groups gnomAD compares: African/African-American, 12%; 733 homozygotes.

Submissions (8):

Labcorp Genetics (formerly Invitae), Labcorp
Classification: Benign for Hereditary hemochromatosis. Last evaluated: 2026-02-04. Review status: criteria provided, single submitter. Criteria: Invitae Variant Classification Sherloc (09022015). Collection method: clinical testing. Allele origin: germline.

Genomic Medicine Center of Excellence, King Faisal Specialist Hospital and Research Centre
Classification: Likely benign. Last evaluated: 2025-08-18. Review status: criteria provided, single submitter. Criteria: ACMG Guidelines, 2015. Collection method: clinical testing. Allele origin: germline.

Blueprint Genetics
Classification: Benign. Last evaluated: 2024-11-27. Review status: criteria provided, single submitter. Criteria: ACMG Guidelines, 2015. Collection method: clinical testing. Allele origin: germline.

Fulgent Genetics
Classification: Likely benign for Hemochromatosis type 3. Last evaluated: 2022-04-08. Review status: criteria provided, single submitter. Criteria: ACMG Guidelines, 2015. Collection method: clinical testing. Allele origin: unknown.

GeneDx
Classification: Benign. Last evaluated: 2020-02-18. Review status: criteria provided, single submitter. Criteria: GeneDx Variant Classification Process June 2021. Collection method: clinical testing. Allele origin: germline. Affected: yes.
Comment: This variant is associated with the following publications: (PMID: 30998180)

Illumina Laboratory Services, Illumina
Classification: Benign for Hemochromatosis type 3. Last evaluated: 2018-01-13. Review status: criteria provided, single submitter. Criteria: ICSL Variant Classification Criteria 13 December 2019. Collection method: clinical testing. Allele origin: germline.
Comment: This variant was observed in the ICSL laboratory as part of a predisposition screen in an ostensibly healthy population. It had not been previously curated by ICSL or reported in the Human Gene Mutation Database (HGMD: prior to June 1st, 2018), and was therefore a candidate for classification through an automated scoring system. Utilizing variant allele frequency, disease prevalence and penetrance estimates, and inheritance mode, an automated score was calculated to assess if this variant is too frequent to cause the disease. Based on the score and internal cut-off values, a variant classified as benign is not then subjected to further curation. The score for this variant resulted in a classification of benign for this disease.

Breakthrough Genomics
Classification: Benign. Review status: criteria provided, single submitter. Criteria: ACMG Guidelines, 2015. Collection method: not provided. Allele origin: germline. Inheritance: Autosomal recessive inheritance. Affected: yes.

GeneReviews
No classification provided. Condition: Hemochromatosis type 3. Review status: no classification provided. Collection method: literature only. Allele origin: unknown. Not counted in ClinVar's aggregate classification.

Literature cited by the submitters: PubMed 11358389 (cited by GeneReviews); PubMed 20301523 (cited by GeneReviews); NCBI Bookshelf NBK1349 (cited by GeneReviews).

NM_003227.4(TFR2):c.714C>G (p.Ile238Met)

Gene: TFR2 (transferrin receptor 2; minus strand). Cytogenetic location: 7q22.1.
Variant type: single nucleotide variant.
Coding change: c.714C>G on transcript NM_003227.4 (MANE Select); coding-DNA position 714, C replaced by G.
Protein change: p.Ile238Met; replaces isoleucine 238 with methionine.
Molecular consequence: missense variant.
Genome position (GRCh38, 1-based): chr7:100,633,241, G>C on the plus strand (C>G on the coding strand, the complement: TFR2 is on the minus strand). VCF-style: chr7-100633241-G-C. GRCh37 (hg19) VCF-style: chr7-100230864-G-C.
Other names: c.201C>G, p.Ile67Met (NM_001206855.3); short protein forms I238M, I67M.
Identifiers: ClinVar variation 21378 (VCV000021378.24), dbSNP rs34242818, ClinGen allele CA341995.